The following is an entry in ClinVar:

ClinVar aggregate classification (germline): Uncertain significance (1 of 4 stars; one submission).

Conditions:
Cardiovascular phenotype. Identifiers: MedGen CN230736.

Allele frequency attached by ClinVar (database versions not stated): ExAC 0.00005; gnomAD exomes 0.00001.
gnomAD v4.1: 10 of 1,187,507 alleles (0.00084%); highest among the groups gnomAD compares: Non-Finnish European, 0.0011%; no homozygotes.

Submission:

Ambry Genetics
Classification: Uncertain significance for Cardiovascular phenotype. Last evaluated: 2022-05-31. Review status: criteria provided, single submitter. Criteria: Ambry Variant Classification Scheme 2023. Collection method: clinical testing. Allele origin: germline.
Comment: The c.-4G>A variant is located in the 5' untranslated region (5&rsquo; UTR) of the TAZ gene. This variant results from a G to A substitution 4 bases upstream from the first translated codon. This nucleotide position is not well conserved in available vertebrate species. Since supporting evidence is limited at this time, the clinical significance of this alteration remains unclear.

NM_000116.5(TAFAZZIN):c.-4G>A

Genes: TAFAZZIN (tafazzin, phospholipid-lysophospholipid transacylase; plus strand), DNASE1L1 (deoxyribonuclease 1 like 1; minus strand), LOC130068869 (ATAC-STARR-seq lymphoblastoid silent region 21101; plus strand). Cytogenetic location: Xq28.
Variant type: single nucleotide variant.
Coding change: c.-4G>A on transcript NM_000116.5 (MANE Select); 4 bases upstream of the start codon, G replaced by A.
Molecular consequence: 5 prime UTR variant. On other transcripts: non-coding transcript variant (1), intron variant (3).
Genome position (GRCh38, 1-based): chrX:154,411,840, G>A. VCF-style: chrX-154411840-G-A. GRCh37 (hg19) VCF-style: chrX-153640177-G-A.
Other names: c.-4G>A (NM_001303465.2, NM_001410698.1, NM_001440856.1 and 5 more transcripts); c.-88+51C>T (NM_001009934.3); c.-173+51C>T (NM_001009933.3); c.-431+51C>T (NM_001009932.3).
Identifiers: ClinVar variation 1799629 (VCV001799629.2), dbSNP rs782183024, ClinGen allele CA10562253.